The following is an entry in ClinVar:

NM_003718.5(CDK13):c.3980A>T (p.Asp1327Val)

Gene: CDK13 (cyclin dependent kinase 13; plus strand). Cytogenetic location: 7p14.1.
Variant type: single nucleotide variant.
Coding change: c.3980A>T on transcript NM_003718.5 (MANE Select); coding-DNA position 3980, A replaced by T.
Protein change: p.Asp1327Val; replaces aspartic acid 1327 with valine.
Molecular consequence: missense variant.
Genome position (GRCh38, 1-based): chr7:40,094,421, A>T. VCF-style: chr7-40094421-A-T. GRCh37 (hg19) VCF-style: chr7-40134020-A-T.
Other names: c.3800A>T, p.Asp1267Val (NM_031267.4); short protein forms D1267V, D1327V.
Identifiers: ClinVar variation 4802467 (VCV004802467.1).

ClinVar aggregate classification (germline): Uncertain significance (1 of 4 stars; one submission).

gnomAD v4.1: 7 of 1,614,028 alleles (0.00043%); highest among the groups gnomAD compares: Non-Finnish European, 0.00059%; no homozygotes.

Submission:

Labcorp Genetics (formerly Invitae), Labcorp
Classification: Uncertain significance. Last evaluated: 2025-06-09. Review status: criteria provided, single submitter. Criteria: Invitae Variant Classification Sherloc (09022015). Collection method: clinical testing. Allele origin: germline.
Comment: This sequence change replaces aspartic acid, which is acidic and polar, with valine, which is neutral and non-polar, at codon 1327 of the CDK13 protein (p.Asp1327Val). This variant is not present in population databases (gnomAD no frequency). This variant has not been reported in the literature in individuals affected with CDK13-related conditions. Invitae Evidence Modeling of protein sequence and biophysical properties (such as structural, functional, and spatial information, amino acid conservation, physicochemical variation, residue mobility, and thermodynamic stability) has been performed for this missense variant. However, the output from this modeling did not meet the statistical confidence thresholds required to predict the impact of this variant on CDK13 protein function. In summary, the available evidence is currently insufficient to determine the role of this variant in disease. Therefore, it has been classified as a Variant of Uncertain Significance.